The following is an entry in ClinVar:

NM_015272.5(RPGRIP1L):c.377_378insGAACAAAGCTGGAGGCATCACACTACCTGACTTCAAACTATACTACAAGGCTACAGTAACCAAAACAGCATNNNNNNNNNNAAAAAAAAAAAAAAAAAAAAGAAAAACAAAA (p.Asn126fs)

Gene: RPGRIP1L (RPGRIP1 like; minus strand). Cytogenetic location: 16q12.2.
Variant type: Microsatellite.
Coding change: c.377_378insGAACAAAGCTGGAGGCATCACACTACCTGACTTCAAACTATACTACAAGGCTACAGTAACCAAAACAGCATNNNNNNNNNNAAAAAAAAAAAAAAAAAAAAGAAAAACAAAA on transcript NM_015272.5 (MANE Select); coding-DNA positions 377 to 378, GAACAAAGCTGGAGGCATCACACTACCTGACTTCAAACTATACTACAAGGCTACAGTAACCAAAACAGCATNNNNNNNNNNAAAAAAAAAAAAAAAAAAAAGAAAAACAAAA inserted.
Protein change: p.Asn126fs; shifts the reading frame from asparagine 126.
Molecular consequence: frameshift variant.
Genome position: GRCh38: chr16:53,692,218-53,692,228. GRCh37 (hg19): chr16:53,726,130-53,726,140.
Other names: c.377_378insGAACAAAGCTGGAGGCATCACACTACCTGACTTCAAACTATACTACAAGGCTACAGTAACCAAAACAGCATNNNNNNNNNNAAAAAAAAAAAAAAAAAAAAGAAAAACAAAA, p.Asn126fs (NM_001127897.4, NM_001308334.3, NM_001330538.2); short protein forms N126fs.
Identifiers: ClinVar variation 1456671 (VCV001456671.7).

ClinVar aggregate classification (germline): Pathogenic (1 of 4 stars; one submission).

Conditions:
Meckel-Gruber syndrome. Also called: DYSENCEPHALIA SPLANCHNOCYSTICA; GRUBER SYNDROME; Dysencephalia splachnocystica. Identifiers: Orphanet 564, MedGen C0265215, MONDO:0018921.
Joubert syndrome. Also called: CEREBELLOPARENCHYMAL DISORDER IV; JOUBERT-BOLTSHAUSER SYNDROME; Familial aplasia of the vermis. Identifiers: Orphanet 475, MedGen C5979921, MONDO:0018772.

Submission:

Labcorp Genetics (formerly Invitae), Labcorp
Classification: Pathogenic for Joubert syndrome; Meckel-Gruber syndrome. Last evaluated: 2021-10-25. Review status: criteria provided, single submitter. Criteria: Invitae Variant Classification Sherloc (09022015). Collection method: clinical testing. Allele origin: germline.
Comment: For these reasons, this variant has been classified as Pathogenic. Retrotransposon insertions including LINE1 (L1), Alu, and SVA (SINE-VNTR-Alu) have been reported to be disease-causing through disruption of either a coding region or splice site (PMID: 19763152, 20307669, 22406018) and loss-of-function variants in RPGRIP1L are known to be pathogenic (PMID: 17558409). Algorithms developed to predict the effect of sequence changes on RNA splicing suggest that this variant may create or strengthen a splice site. This variant has not been reported in the literature in individuals affected with RPGRIP1L-related conditions. This variant is not present in population databases (gnomAD no frequency). This sequence change inserts a large fragment of DNA, likely a transposable element, in exon 4 of the RPGRIP1L gene (c.377_378ins?), causing a frameshift at codon 126 (p.Asn126fs). The exact size and sequence of the insertion cannot be determined by the current assay. However, the insertion is expected to result in an absent or disrupted protein product.

Literature cited by the submitters: PubMed 19763152; PubMed 20307669; PubMed 22406018; PubMed 17558409.